The following is an entry in ClinVar:

ClinVar aggregate classification (germline): Conflicting classifications of pathogenicity. Review status: criteria provided, conflicting classifications (1 of 4 stars). 3 submissions from 3 submitters: Uncertain significance (2); Benign (1). Last evaluated 2025-10-01.

Conditions:
Tuberous sclerosis syndrome (TSC). Also called: Tuberous Sclerosis Complex; Tuberous sclerosis. Identifiers: Orphanet 805, MedGen C0041341, MONDO:0001734.
Hereditary cancer-predisposing syndrome. Also called: Neoplastic Syndromes, Hereditary; Hereditary Cancer Syndrome; Hereditary neoplastic syndrome; Tumor predisposition. Identifiers: Orphanet 140162, MedGen C0027672, MeSH D009386, MONDO:0015356.
Tuberous sclerosis 2 (TSC2). Identifiers: Orphanet 805, MedGen C1860707, MONDO:0013199, OMIM 613254.

Allele frequency attached by ClinVar (database versions not stated): gnomAD exomes below 0.00001; TOPMed 0.00001.
gnomAD v4.1: 5 of 1,551,324 alleles (0.00032%); highest among the groups gnomAD compares: South Asian, 0.0024%; no homozygotes.

Submissions (3):

Labcorp Genetics (formerly Invitae), Labcorp
Classification: Benign for Tuberous sclerosis 2. Last evaluated: 2025-10-01. Review status: criteria provided, single submitter. Criteria: Invitae Variant Classification Sherloc (09022015). Collection method: clinical testing. Allele origin: germline.

Ambry Genetics
Classification: Uncertain significance for Hereditary cancer-predisposing syndrome. Last evaluated: 2025-06-09. Review status: criteria provided, single submitter. Criteria: Ambry Variant Classification Scheme 2023. Collection method: clinical testing. Allele origin: germline.
Comment: The p.K464R variant (also known as c.1391A>G), located in coding exon 13 of the TSC2 gene, results from an A to G substitution at nucleotide position 1391. The lysine at codon 464 is replaced by arginine, an amino acid with highly similar properties. This amino acid position is highly conserved in available vertebrate species. In addition, this alteration is predicted to be deleterious by in silico analysis. Based on the available evidence, the clinical significance of this variant remains unclear.

All of Us Research Program, National Institutes of Health
Classification: Uncertain significance for Tuberous sclerosis syndrome. Last evaluated: 2024-03-24. Review status: criteria provided, single submitter. Criteria: ACMG Guidelines, 2015. Collection method: clinical testing. Allele origin: germline. Inheritance: Autosomal dominant inheritance. Observed: 1 variant allele, 1 heterozygote.
Comment: This missense variant replaces lysine with arginine at codon 464 of the TSC2 protein. Computational prediction suggests that this variant may have deleterious impact on protein structure and function (internally defined REVEL score threshold >= 0.7, PMID: 27666373). To our knowledge, functional studies have not been reported for this variant. This variant has not been reported in individuals affected with TSC2-related disorders in the literature. This variant has not been identified in the general population by the Genome Aggregation Database (gnomAD). The available evidence is insufficient to determine the role of this variant in disease conclusively. Therefore, this variant is classified as a Variant of Uncertain Significance.

This study involves interpretation of variants in research participants for the purpose of population health screening. Participant phenotype was not available at the time of variant classification. Additional details can be found in publication PMID: 35346344, PMCID: PMC8962531

NM_000548.5(TSC2):c.1391A>G (p.Lys464Arg)

Gene: TSC2 (TSC complex subunit 2; plus strand). Cytogenetic location: 16p13.3.
Variant type: single nucleotide variant.
Coding change: c.1391A>G on transcript NM_000548.5 (MANE Select); coding-DNA position 1391, A replaced by G.
Protein change: p.Lys464Arg; replaces lysine 464 with arginine.
Molecular consequence: missense variant.
Genome position (GRCh38, 1-based): chr16:2,063,001, A>G. VCF-style: chr16-2063001-A-G. GRCh37 (hg19) VCF-style: chr16-2113002-A-G.
Other names: c.1391A>G, p.Lys464Arg (NM_001077183.3, NM_001114382.3, NM_001363528.2 and 3 more transcripts); c.1280A>G, p.Lys427Arg (NM_001318827.2); c.1244A>G, p.Lys415Arg (NM_001318829.2); c.791A>G, p.Lys264Arg (NM_001318831.2); c.1424A>G, p.Lys475Arg (NM_001318832.2); short protein forms K415R, K264R, K464R, K427R, K475R.
Identifiers: ClinVar variation 848781 (VCV000848781.14), dbSNP rs1033108057, ClinGen allele CA276778125.